The following is an entry in ClinVar:

NM_003742.4(ABCB11):c.1697G>A (p.Arg566Lys)

Gene: ABCB11 (ATP binding cassette subfamily B member 11; minus strand). Cytogenetic location: 2q31.1.
Variant type: single nucleotide variant.
Coding change: c.1697G>A on transcript NM_003742.4 (MANE Select); coding-DNA position 1697, G replaced by A.
Protein change: p.Arg566Lys; replaces arginine 566 with lysine.
Molecular consequence: missense variant.
Genome position (GRCh38, 1-based): chr2:168,970,157, C>T on the plus strand (G>A on the coding strand, the complement: ABCB11 is on the minus strand). VCF-style: chr2-168970157-C-T. GRCh37 (hg19) VCF-style: chr2-169826667-C-T.
Other names: NM_003742.4:c.1697G>A; short protein forms R566K.
Identifiers: ClinVar variation 3776861 (VCV003776861.2).

ClinVar aggregate classification (germline): Uncertain significance. Review status: criteria provided, multiple submitters, no conflicts (2 of 4 stars). 2 submissions from 2 submitters: Uncertain significance (2). Last evaluated 2026-04-14.

Conditions:
Progressive familial intrahepatic cholestasis type 2. Identifiers: Orphanet 79304, MedGen C3489789, MONDO:0011156, OMIM 601847.
Familial intrahepatic cholestasis. Identifiers: Orphanet 284385, MedGen CN296401, MONDO:0017290.

gnomAD v4.1: 4 of 1,612,728 alleles (0.00025%); highest among the groups gnomAD compares: African/African-American, 0.0027%; no homozygotes.

Submissions (2):

Genomenon, Inc
Classification: Uncertain significance for Familial intrahepatic cholestasis. Last evaluated: 2026-04-14. Review status: criteria provided, single submitter. Criteria: Genomenon Sequence Variant Interpretation Standards - Updated. Collection method: curation. Allele origin: germline. Affected: no.
Comment: ABCB11 p.Arg566Lys (c.1697G>A) is a missense variant that changes the amino acid at residue 566 from Arginine to Lysine. This variant has been reported in the published literature (PMID:32808743). It is absent or not present at a significant frequency in gnomAD. In silico models predict that this variant is possibly or probably damaging. In conclusion, we classify ABCB11 p.Arg566Lys (c.1697G>A) as a variant of uncertain significance.

Broad Center for Mendelian Genomics, Broad Institute of MIT and Harvard
Classification: Uncertain significance for Progressive familial intrahepatic cholestasis type 2. Last evaluated: 2025-01-27. Review status: criteria provided, single submitter. Criteria: ACMG Guidelines, 2015. Collection method: curation. Allele origin: germline. Inheritance: Autosomal recessive inheritance.
Comment: The p.Arg566Lys variant in ABCB11 has not been previously reported in the literature in individuals with BSEP deficiency but has been identified in 0.003% (2/74824) of African/African American chromosomes by the Genome Aggregation Database (gnomAD; dbSNP rs1424715238). Although this variant has been seen in the general population in a heterozygous state, its frequency is low enough to be consistent with a recessive carrier frequency. Computational prediction tools and conservation analyses suggest that this variant may impact the protein, though this information is not predictive enough to determine pathogenicity. In summary, the clinical significance of the p.Arg566Lys variant is uncertain. ACMG/AMP Criteria applied: PP3_moderate, PM2_supporting (Richards 2015).

Literature cited by the submitters: PubMed 32808743 (cited by Genomenon, Inc).